The following is an entry in ClinVar:

NM_001077268.2(ZFYVE19):c.1194C>A (p.Arg398=)

Gene: ZFYVE19 (zinc finger FYVE-type containing 19; plus strand). Cytogenetic location: 15q15.1.
Variant type: single nucleotide variant.
Coding change: c.1194C>A on transcript NM_001077268.2 (MANE Select); coding-DNA position 1194, C replaced by A.
Protein change: p.Arg398=; no amino-acid change (arginine 398 retained).
Molecular consequence: synonymous variant.
Genome position (GRCh38, 1-based): chr15:40,813,796, C>A. VCF-style: chr15-40813796-C-A. GRCh37 (hg19) VCF-style: chr15-41105994-C-A.
Other names: c.990C>A, p.Arg330= (NM_001258420.2); c.669C>A, p.Arg223= (NM_001258421.2); c.1164C>A, p.Arg388= (NM_032850.5).
Identifiers: ClinVar variation 4982253 (VCV004982253.1).

ClinVar aggregate classification (germline): Likely benign (1 of 4 stars; one submission).

Conditions:
ZFYVE19-related disorder. Also called: ZFYVE19-related condition.

Submission:

PreventionGenetics, part of Exact Sciences
Classification: Likely benign for ZFYVE19-related condition. Last evaluated: 2026-01-22. Review status: criteria provided, single submitter. Criteria: ACMG Guidelines, 2015. Collection method: clinical testing. Allele origin: germline.
Comment: This variant is classified as likely benign based on ACMG/AMP sequence variant interpretation guidelines (Richards et al. 2015 PMID: 25741868, with internal and published modifications).